The following is an entry in ClinVar:

ClinVar aggregate classification (germline): Likely benign (1 of 4 stars; one submission).

Submission:

Women's Health and Genetics/Laboratory Corporation of America, LabCorp
Classification: Likely benign. Last evaluated: 2024-02-07. Review status: criteria provided, single submitter. Criteria: LabCorp Variant Classification Summary - May 2015. Collection method: clinical testing. Allele origin: germline.
Comment: Variant summary: GNAO1 c.723+3965C>T, also corresponding to c.724-9C>T in NM_138736, is located at a position not widely known to affect splicing. Consensus agreement among computation tools predict no significant impact on normal splicing. However, these predictions have yet to be confirmed by functional studies. The variant was absent in 250030 control chromosomes (gnomAD). The available data on variant occurrences in the general population are insufficient to allow any conclusion about variant significance. To our knowledge, no occurrence of c.723+3965C>T in individuals affected with GNAO1-Related Disorders and no experimental evidence demonstrating its impact on protein function have been reported. No submitters have cited clinical-significance assessments for this variant to ClinVar. Based on the evidence outlined above, the variant was classified as likely benign.

NM_020988.3(GNAO1):c.723+3965C>T

Gene: GNAO1 (G protein subunit alpha o1; plus strand). Cytogenetic location: 16q13.
Variant type: single nucleotide variant.
Coding change: c.723+3965C>T on transcript NM_020988.3 (MANE Select); 3965 bases into the intron after coding-DNA position 723, C replaced by T.
Molecular consequence: intron variant.
Genome position (GRCh38, 1-based): chr16:56,340,825, C>T. VCF-style: chr16-56340825-C-T. GRCh37 (hg19) VCF-style: chr16-56374737-C-T.
Other names: c.724-9C>T (NM_138736.3).
Identifiers: ClinVar variation 3068748 (VCV003068748.2), dbSNP rs758179231, ClinGen allele CA2224104427.